The following is an entry in ClinVar:

ClinVar aggregate classification (germline): Uncertain significance (1 of 4 stars; one submission).

Conditions:
Epidermolysis bullosa simplex 3, localized or generalized intermediate, with BP230 deficiency (EBS3). Also called: Epidermolysis bullosa simplex due to BP230 deficiency; Epidermolysis bullosa simplex, autosomal recessive 2. Identifiers: Orphanet 412181, MedGen C3809470, MONDO:0014180, OMIM 615425.
Hereditary sensory and autonomic neuropathy type 6. Also called: HSAN VI; Neuropathy, hereditary sensory and autonomic, type VI. Identifiers: Orphanet 314381, MedGen C3539003, MONDO:0013839, OMIM 614653.

Allele frequency attached by ClinVar (database versions not stated): gnomAD exomes below 0.00001 and 0.00001; TOPMed below 0.00001; gnomAD 0.00001; ExAC 0.00002.
gnomAD v4.1: 4 of 1,613,610 alleles (0.00025%); highest among the groups gnomAD compares: East Asian, 0.0089%; no homozygotes.

Submission:

Labcorp Genetics (formerly Invitae), Labcorp
Classification: Uncertain significance for Epidermolysis bullosa simplex 3, localized or generalized intermediate, with BP230 deficiency; Hereditary sensory and autonomic neuropathy type 6. Last evaluated: 2019-01-26. Review status: criteria provided, single submitter. Criteria: Invitae Variant Classification Sherloc (09022015). Collection method: clinical testing. Allele origin: germline.
Comment: In summary, the available evidence is currently insufficient to determine the role of this variant in disease. Therefore, it has been classified as a Variant of Uncertain Significance. Algorithms developed to predict the effect of missense changes on protein structure and function (SIFT, PolyPhen-2, Align-GVGD) all suggest that this variant is likely to be tolerated, but these predictions have not been confirmed by published functional studies and their clinical significance is uncertain. This variant has not been reported in the literature in individuals with DST-related conditions. This variant is present in population databases (rs762290980, ExAC 0.03%). This sequence change replaces asparagine with aspartic acid at codon 1283 of the DST protein (p.Asn1283Asp). The asparagine residue is weakly conserved and there is a small physicochemical difference between asparagine and aspartic acid.

NM_001723.7(DST):c.3847A>G (p.Asn1283Asp)

Gene: DST (dystonin; minus strand). Cytogenetic location: 6p12.1.
Variant type: single nucleotide variant.
Coding change: c.3847A>G on transcript NM_001723.7 (MANE Plus Clinical); coding-DNA position 3847, A replaced by G.
Protein change: p.Asn1283Asp; replaces asparagine 1283 with aspartic acid.
Molecular consequence: missense variant. On other transcripts: intron variant (10).
Genome position (GRCh38, 1-based): chr6:56,620,187, T>C on the plus strand (A>G on the coding strand, the complement: DST is on the minus strand). VCF-style: chr6-56620187-T-C. GRCh37 (hg19) VCF-style: chr6-56484985-T-C.
Other names: c.4830+4343A>G (NM_001144769.5); c.4929+4343A>G (NM_001374722.1, NM_001374736.1); c.4956+4343A>G (NM_001374734.1); c.4416+4343A>G (NM_001144770.2); c.4296+4343A>G (NM_001374730.1, NM_001386100.1, NM_183380.4 and 1 more transcripts); c.3318+4343A>G (NM_015548.5); short protein forms N1283D.
Identifiers: ClinVar variation 842776 (VCV000842776.10), dbSNP rs762290980, ClinGen allele CA3870644.